The following is an entry in ClinVar:

ClinVar aggregate classification (germline): Uncertain significance (1 of 4 stars; one submission).

Conditions:
Neuroblastoma, susceptibility to, 3. Also called: ALK-Related Neuroblastic Tumor Susceptibility. Identifiers: Orphanet 635, MedGen C2751681, MONDO:0013083, OMIM 613014.

gnomAD v4.1: 2 of 1,614,004 alleles (0.00012%); highest among the groups gnomAD compares: Non-Finnish European, 0.00017%; no homozygotes.

Submission:

Labcorp Genetics (formerly Invitae), Labcorp
Classification: Uncertain significance for Neuroblastoma, susceptibility to, 3. Last evaluated: 2025-12-15. Review status: criteria provided, single submitter. Criteria: Invitae Variant Classification Sherloc (09022015). Collection method: clinical testing. Allele origin: germline.
Comment: This sequence change replaces valine, which is neutral and non-polar, with glutamic acid, which is acidic and polar, at codon 1265 of the ALK protein (p.Val1265Glu). This variant is not present in population databases (gnomAD no frequency). This variant has not been reported in the literature in individuals affected with ALK-related conditions. An algorithm developed to predict the effect of missense changes on protein structure and function (PolyPhen-2) suggests that this variant is likely to be disruptive. In summary, the available evidence is currently insufficient to determine the role of this variant in disease. Therefore, it has been classified as a Variant of Uncertain Significance.

NM_004304.5(ALK):c.3794T>A (p.Val1265Glu)

Gene: ALK (ALK receptor tyrosine kinase; minus strand). Cytogenetic location: 2p23.2.
Variant type: single nucleotide variant.
Coding change: c.3794T>A on transcript NM_004304.5 (MANE Select); coding-DNA position 3794, T replaced by A.
Protein change: p.Val1265Glu; replaces valine 1265 with glutamic acid.
Molecular consequence: missense variant.
Genome position (GRCh38, 1-based): chr2:29,209,828, A>T on the plus strand (T>A on the coding strand, the complement: ALK is on the minus strand). VCF-style: chr2-29209828-A-T. GRCh37 (hg19) VCF-style: chr2-29432694-A-T.
Other names: c.590T>A, p.Val197Glu (NM_001353765.2); short protein forms V1265E, V197E.
Identifiers: ClinVar variation 4733275 (VCV004733275.1).
Genomic context (GRCh38, chr2:29,209,828, plus strand): 5'-GAGGCAGTCTTTACTCACCTGTAGATGTCTCGGGCCATCCCGAAGTCTCCAATCTTGGCC[A>T]CTCTTCCAGGGCCTGGACAGGTCAAGAGGCAGTTTCTGGCAGCAATGTCTCTGGGAAGAA-3'
Protein context (NP_004295.2, residues 1255-1275): CLLTCPGPGR[Val1265Glu]AKIGDFGMAR